The following is an entry in ClinVar:

NM_080669.6(SLC46A1):c.440G>T (p.Gly147Val)

Gene: SLC46A1 (solute carrier family 46 member 1; minus strand). Cytogenetic location: 17q11.2.
Variant type: single nucleotide variant.
Coding change: c.440G>T on transcript NM_080669.6 (MANE Select); coding-DNA position 440, G replaced by T.
Protein change: p.Gly147Val; replaces glycine 147 with valine.
Molecular consequence: missense variant.
Genome position (GRCh38, 1-based): chr17:28,405,257, C>A on the plus strand (G>T on the coding strand, the complement: SLC46A1 is on the minus strand). VCF-style: chr17-28405257-C-A. GRCh37 (hg19) VCF-style: chr17-26732275-C-A.
Other names: c.440G>T, p.Gly147Val (NM_001242366.3); short protein forms G147V.
Identifiers: ClinVar variation 4805491 (VCV004805491.1).

ClinVar aggregate classification (germline): Uncertain significance (1 of 4 stars; one submission).

gnomAD v4.1: 6 of 1,586,620 alleles (0.00038%); highest among the groups gnomAD compares: Non-Finnish European, 0.00043%; no homozygotes.

Submission:

Labcorp Genetics (formerly Invitae), Labcorp
Classification: Uncertain significance. Last evaluated: 2025-03-01. Review status: criteria provided, single submitter. Criteria: Invitae Variant Classification Sherloc (09022015). Collection method: clinical testing. Allele origin: germline.
Comment: This sequence change replaces glycine, which is neutral and non-polar, with valine, which is neutral and non-polar, at codon 147 of the SLC46A1 protein (p.Gly147Val). This variant is not present in population databases (gnomAD no frequency). This variant has not been reported in the literature in individuals affected with SLC46A1-related conditions. Invitae Evidence Modeling of protein sequence and biophysical properties (such as structural, functional, and spatial information, amino acid conservation, physicochemical variation, residue mobility, and thermodynamic stability) indicates that this missense variant is not expected to disrupt SLC46A1 protein function with a negative predictive value of 80%. In summary, the available evidence is currently insufficient to determine the role of this variant in disease. Therefore, it has been classified as a Variant of Uncertain Significance.